The following is an entry in ClinVar:

NM_001044385.3(TMEM237):c.736G>A (p.Val246Met)

Gene: TMEM237 (transmembrane protein 237; minus strand). Cytogenetic location: 2q33.1.
Variant type: single nucleotide variant.
Coding change: c.736G>A on transcript NM_001044385.3 (MANE Select); coding-DNA position 736, G replaced by A.
Protein change: p.Val246Met; replaces valine 246 with methionine.
Molecular consequence: missense variant.
Genome position (GRCh38, 1-based): chr2:201,629,363, C>T on the plus strand (G>A on the coding strand, the complement: TMEM237 is on the minus strand). VCF-style: chr2-201629363-C-T. GRCh37 (hg19) VCF-style: chr2-202494086-C-T.
Other names: c.712G>A, p.Val238Met (NM_152388.4); short protein forms V238M, V246M.
Identifiers: ClinVar variation 333562 (VCV000333562.6), dbSNP rs886055448, ClinGen allele CA10613537.

ClinVar aggregate classification (germline): Uncertain significance. Review status: criteria provided, multiple submitters, no conflicts (2 of 4 stars). 2 submissions from 2 submitters: Uncertain significance (2). Last evaluated 2022-01-18.

Conditions:
Joubert syndrome 14 (JBTS14). Identifiers: MedGen C3280766, MONDO:0013745, OMIM 614424.

Allele frequency attached by ClinVar (database versions not stated): gnomAD exomes 0.00001; TOPMed 0.00001.
gnomAD v4.1: 18 of 1,607,462 alleles (0.0011%); highest among the groups gnomAD compares: Non-Finnish European, 0.00042%; no homozygotes.

Submissions (2):

Labcorp Genetics (formerly Invitae), Labcorp
Classification: Uncertain significance for Joubert syndrome 14. Last evaluated: 2022-01-18. Review status: criteria provided, single submitter. Criteria: Invitae Variant Classification Sherloc (09022015). Collection method: clinical testing. Allele origin: germline.
Comment: This sequence change replaces valine, which is neutral and non-polar, with methionine, which is neutral and non-polar, at codon 246 of the TMEM237 protein (p.Val246Met). This variant is present in population databases (no rsID available, gnomAD 0.03%). This variant has not been reported in the literature in individuals affected with TMEM237-related conditions. ClinVar contains an entry for this variant (Variation ID: 333562). Algorithms developed to predict the effect of missense changes on protein structure and function are either unavailable or do not agree on the potential impact of this missense change (SIFT: "Deleterious"; PolyPhen-2: "Possibly Damaging"; Align-GVGD: "Class C0"). In summary, the available evidence is currently insufficient to determine the role of this variant in disease. Therefore, it has been classified as a Variant of Uncertain Significance.

Illumina Laboratory Services, Illumina
Classification: Uncertain significance for Joubert syndrome 14. Last evaluated: 2018-01-12. Review status: criteria provided, single submitter. Criteria: ICSL Variant Classification Criteria 13 December 2019. Collection method: clinical testing. Allele origin: germline.